The following is an entry in ClinVar:

ClinVar aggregate classification (germline): Uncertain significance (1 of 4 stars; one submission).

Conditions:
RFX7-related disorder. Also called: RFX7-related condition.

Allele frequency attached by ClinVar (database versions not stated): gnomAD exomes 0.00001.
gnomAD v4.1: 3 of 1,611,898 alleles (0.00019%); highest among the groups gnomAD compares: Non-Finnish European, 0.00025%; no homozygotes.

Submission:

PreventionGenetics, part of Exact Sciences
Classification: Uncertain significance for RFX7-related condition. Last evaluated: 2023-04-20. Review status: criteria provided, single submitter. Criteria: ACMG Guidelines, 2015. Collection method: clinical testing. Allele origin: germline.
Comment: The RFX7 c.4359T>G variant is predicted to result in the amino acid substitution p.His1453Gln. To our knowledge, this variant has not been reported in the literature or in a large population database, indicating this variant is rare. At this time, the clinical significance of this variant is uncertain due to the absence of conclusive functional and genetic evidence.

NM_022841.7(RFX7):c.4359T>G (p.His1453Gln)

Gene: RFX7 (regulatory factor X7; minus strand). Cytogenetic location: 15q21.3.
Variant type: single nucleotide variant.
Coding change: c.4359T>G on transcript NM_022841.7 (MANE Select); coding-DNA position 4359, T replaced by G.
Protein change: p.His1453Gln; replaces histidine 1453 with glutamine.
Molecular consequence: missense variant. On other transcripts: intron variant (1).
Genome position (GRCh38, 1-based): chr15:56,093,369, A>C on the plus strand (T>G on the coding strand, the complement: RFX7 is on the minus strand). VCF-style: chr15-56093369-A-C. GRCh37 (hg19) VCF-style: chr15-56385567-A-C.
Other names: c.4068T>G, p.His1356Gln (NM_001368073.2, NM_001368074.1); c.4359T>G, p.His1453Gln (NM_001370561.1); c.3804+264T>G (NM_001370554.1); short protein forms H1356Q, H1453Q.
Identifiers: ClinVar variation 2635628 (VCV002635628.1), dbSNP rs2504984078, ClinGen allele CA392574857.